The following is an entry in ClinVar:

NM_032043.3(BRIP1):c.265G>T (p.Ala89Ser)

Gene: BRIP1 (BRCA1 interacting DNA helicase 1; minus strand). Cytogenetic location: 17q23.2.
Variant type: single nucleotide variant.
Coding change: c.265G>T on transcript NM_032043.3 (MANE Select); coding-DNA position 265, G replaced by T.
Protein change: p.Ala89Ser; replaces alanine 89 with serine.
Molecular consequence: missense variant.
Genome position (GRCh38, 1-based): chr17:61,857,172, C>A on the plus strand (G>T on the coding strand, the complement: BRIP1 is on the minus strand). VCF-style: chr17-61857172-C-A. GRCh37 (hg19) VCF-style: chr17-59934533-C-A.
Other names: short protein forms A89S.
Identifiers: ClinVar variation 2948607 (VCV002948607.3), dbSNP rs1555617884, ClinGen allele CA400485499.

ClinVar aggregate classification (germline): Uncertain significance (1 of 4 stars; one submission).

Conditions:
Fanconi anemia complementation group J. Also called: BRIP1-Related Fanconi Anemia. Identifiers: Orphanet 84, MedGen C1836860, MONDO:0012187, OMIM 609054.
Familial cancer of breast. Also called: BREAST CANCER, FAMILIAL; Hereditary breast cancer; hereditary breast carcinoma. Identifiers: Orphanet 227535, MedGen C0346153, MONDO:0016419, OMIM 114480. Disease mechanism: loss of function.

Submission:

Labcorp Genetics (formerly Invitae), Labcorp
Classification: Uncertain significance for Familial cancer of breast; Fanconi anemia complementation group J. Last evaluated: 2023-06-05. Review status: criteria provided, single submitter. Criteria: Invitae Variant Classification Sherloc (09022015). Collection method: clinical testing. Allele origin: germline.
Comment: In summary, the available evidence is currently insufficient to determine the role of this variant in disease. Therefore, it has been classified as a Variant of Uncertain Significance. Advanced modeling of protein sequence and biophysical properties (such as structural, functional, and spatial information, amino acid conservation, physicochemical variation, residue mobility, and thermodynamic stability) performed at Invitae indicates that this missense variant is not expected to disrupt BRIP1 protein function. This sequence change replaces alanine, which is neutral and non-polar, with serine, which is neutral and polar, at codon 89 of the BRIP1 protein (p.Ala89Ser). This variant is not present in population databases (gnomAD no frequency). This variant has not been reported in the literature in individuals affected with BRIP1-related conditions.